The following is an entry in ClinVar:

ClinVar aggregate classification (germline): Uncertain significance (1 of 4 stars; one submission).

Conditions:
Hereditary cancer-predisposing syndrome. Also called: Hereditary neoplastic syndrome; Neoplastic Syndromes, Hereditary; Tumor predisposition; Hereditary Cancer Syndrome. Identifiers: Orphanet 140162, MedGen C0027672, MeSH D009386, MONDO:0015356.

Submission:

Ambry Genetics
Classification: Uncertain significance for Hereditary cancer-predisposing syndrome. Last evaluated: 2024-12-31. Review status: criteria provided, single submitter. Criteria: Ambry Variant Classification Scheme 2023. Collection method: clinical testing. Allele origin: germline.
Comment: The p.V556A variant (also known as c.1667T>C), located in coding exon 13 of the BAP1 gene, results from a T to C substitution at nucleotide position 1667. The valine at codon 556 is replaced by alanine, an amino acid with similar properties. This amino acid position is conserved. In addition, this alteration is predicted to be tolerated by in silico analysis. Based on the available evidence, the clinical significance of this variant remains unclear.

NM_004656.4(BAP1):c.1667T>C (p.Val556Ala)

Gene: BAP1 (BRCA1 associated deubiquitinase 1; minus strand). Cytogenetic location: 3p21.1.
Variant type: single nucleotide variant.
Coding change: c.1667T>C on transcript NM_004656.4 (MANE Select); coding-DNA position 1667, T replaced by C.
Protein change: p.Val556Ala; replaces valine 556 with alanine.
Molecular consequence: missense variant.
Genome position (GRCh38, 1-based): chr3:52,403,478, A>G on the plus strand (T>C on the coding strand, the complement: BAP1 is on the minus strand). VCF-style: chr3-52403478-A-G. GRCh37 (hg19) VCF-style: chr3-52437494-A-G.
Other names: c.1613T>C, p.Val538Ala (NM_001410772.1); short protein forms V538A, V556A.
Identifiers: ClinVar variation 3818900 (VCV003818900.1).
Genomic context (GRCh38, chr3:52,403,478, plus strand): 5'-GTCAGCGCCAGGGGACTCAGCACCCCATCCTCAGCCAGGTGCAGCAGGCCTGTGCTGATG[A>G]CAGGACCCAGATCACGGACAGCACGGTTGTAGCGTATGCAGTCAACACGCAGCAGGCTGT-3'
Protein context (NP_004647.1, residues 546-566): YNRAVRDLGP[Val556Ala]ISTGLLHLAE